The following is an entry in ClinVar:

ClinVar aggregate classification (germline): Uncertain significance (1 of 4 stars; one submission).

Submission:

Labcorp Genetics (formerly Invitae), Labcorp
Classification: Uncertain significance. Last evaluated: 2023-11-24. Review status: criteria provided, single submitter. Criteria: Invitae Variant Classification Sherloc (09022015). Collection method: clinical testing. Allele origin: germline.
Comment: This sequence change replaces isoleucine, which is neutral and non-polar, with phenylalanine, which is neutral and non-polar, at codon 372 of the NEXMIF protein (p.Ile372Phe). This variant is not present in population databases (gnomAD no frequency). This variant has not been reported in the literature in individuals affected with NEXMIF-related conditions. An algorithm developed to predict the effect of missense changes on protein structure and function (PolyPhen-2) suggests that this variant is likely to be disruptive. In summary, the available evidence is currently insufficient to determine the role of this variant in disease. Therefore, it has been classified as a Variant of Uncertain Significance.

NM_001008537.3(NEXMIF):c.1114A>T (p.Ile372Phe)

Gene: NEXMIF (neurite extension and migration factor; minus strand). Cytogenetic location: Xq13.3.
Variant type: single nucleotide variant.
Coding change: c.1114A>T on transcript NM_001008537.3 (MANE Select); coding-DNA position 1114, A replaced by T.
Protein change: p.Ile372Phe; replaces isoleucine 372 with phenylalanine.
Molecular consequence: missense variant.
Genome position (GRCh38, 1-based): chrX:74,743,443, T>A on the plus strand (A>T on the coding strand, the complement: NEXMIF is on the minus strand). VCF-style: chrX-74743443-T-A. GRCh37 (hg19) VCF-style: chrX-73963278-T-A.
Other names: short protein forms I372F.
Identifiers: ClinVar variation 2989518 (VCV002989518.3), dbSNP rs2080114658, ClinGen allele CA413671417.